The following is an entry in ClinVar:

ClinVar aggregate classification (germline): Uncertain significance (1 of 4 stars; one submission).

Conditions:
Hereditary nonpolyposis colorectal neoplasms. Identifiers: MedGen C0009405, MeSH D003123.

Submission:

Labcorp Genetics (formerly Invitae), Labcorp
Classification: Uncertain significance for Hereditary nonpolyposis colorectal neoplasms. Last evaluated: 2022-09-28. Review status: criteria provided, single submitter. Criteria: Invitae Variant Classification Sherloc (09022015). Collection method: clinical testing. Allele origin: germline.
Comment: In summary, the available evidence is currently insufficient to determine the role of this variant in disease. Therefore, it has been classified as a Variant of Uncertain Significance. Advanced modeling of protein sequence and biophysical properties (such as structural, functional, and spatial information, amino acid conservation, physicochemical variation, residue mobility, and thermodynamic stability) performed at Invitae indicates that this missense variant is not expected to disrupt MSH6 protein function. This variant has not been reported in the literature in individuals affected with MSH6-related conditions. This variant is not present in population databases (gnomAD no frequency). This sequence change replaces glycine, which is neutral and non-polar, with glutamic acid, which is acidic and polar, at codon 162 of the MSH6 protein (p.Gly162Glu).

NM_000179.3(MSH6):c.485G>A (p.Gly162Glu)

Gene: MSH6 (mutS homolog 6; plus strand). Cytogenetic location: 2p16.3.
Variant type: single nucleotide variant.
Coding change: c.485G>A on transcript NM_000179.3 (MANE Select); coding-DNA position 485, G replaced by A.
Protein change: p.Gly162Glu; replaces glycine 162 with glutamic acid.
Molecular consequence: missense variant. On other transcripts: 5 prime UTR variant (1), intron variant (2).
Genome position (GRCh38, 1-based): chr2:47,795,921, G>A. VCF-style: chr2-47795921-G-A. GRCh37 (hg19) VCF-style: chr2-48023060-G-A.
Other names: c.-418G>A (NM_001281494.2); c.581G>A, p.Gly194Glu (NM_001406795.1, NM_001406802.1); c.485G>A, p.Gly162Glu (NM_001406796.1, NM_001406798.1, NM_001406800.1 and 5 more transcripts); c.188G>A, p.Gly63Glu (NM_001406797.1, NM_001406801.1, NM_001406805.1 and 10 more transcripts); c.-41G>A (NM_001406799.1, NM_001406806.1, NM_001406807.1); c.407G>A, p.Gly136Glu (NM_001406804.1); c.491G>A, p.Gly164Glu (NM_001406813.1); c.-510G>A (NM_001406814.1); and 3 more; short protein forms G106E, G136E, G162E, G164E, G194E, G63E.
Identifiers: ClinVar variation 1720577 (VCV001720577.6), dbSNP rs876660583, ClinGen allele CA346738615.